The following is an entry in ClinVar:

ClinVar aggregate classification (germline): Uncertain significance. Review status: criteria provided, multiple submitters, no conflicts (2 of 4 stars). 2 submissions from 2 submitters: Uncertain significance (2). Last evaluated 2025-06-13.

Conditions:
Inborn genetic diseases. Identifiers: MedGen C0950123, MeSH D030342.

Allele frequency attached by ClinVar (database versions not stated): gnomAD exomes below 0.00001; ExAC 0.00001; TOPMed 0.00003.
gnomAD v4.1: 5 of 1,613,848 alleles (0.00031%); highest among the groups gnomAD compares: Admixed American, 0.0017%; no homozygotes.

Submissions (2):

Labcorp Genetics (formerly Invitae), Labcorp
Classification: Uncertain significance. Last evaluated: 2025-06-13. Review status: criteria provided, single submitter. Criteria: Invitae Variant Classification Sherloc (09022015). Collection method: clinical testing. Allele origin: germline.
Comment: This sequence change replaces serine, which is neutral and polar, with phenylalanine, which is neutral and non-polar, at codon 460 of the ASXL2 protein (p.Ser460Phe). This variant is present in population databases (rs750947456, gnomAD 0.003%). This variant has not been reported in the literature in individuals affected with ASXL2-related conditions. ClinVar contains an entry for this variant (Variation ID: 2195707). Invitae Evidence Modeling of protein sequence and biophysical properties (such as structural, functional, and spatial information, amino acid conservation, physicochemical variation, residue mobility, and thermodynamic stability) indicates that this missense variant is not expected to disrupt ASXL2 protein function with a negative predictive value of 80%. In summary, the available evidence is currently insufficient to determine the role of this variant in disease. Therefore, it has been classified as a Variant of Uncertain Significance.

Ambry Genetics
Classification: Uncertain significance for Inborn genetic diseases. Last evaluated: 2023-11-18. Review status: criteria provided, single submitter. Criteria: Ambry Variant Classification Scheme 2023. Collection method: clinical testing. Allele origin: germline.

NM_018263.6(ASXL2):c.1379C>T (p.Ser460Phe)

Gene: ASXL2 (ASXL transcriptional regulator 2; minus strand). Cytogenetic location: 2p23.3.
Variant type: single nucleotide variant.
Coding change: c.1379C>T on transcript NM_018263.6 (MANE Select); coding-DNA position 1379, C replaced by T.
Protein change: p.Ser460Phe; replaces serine 460 with phenylalanine.
Molecular consequence: missense variant.
Genome position (GRCh38, 1-based): chr2:25,750,177, G>A on the plus strand (C>T on the coding strand, the complement: ASXL2 is on the minus strand). VCF-style: chr2-25750177-G-A. GRCh37 (hg19) VCF-style: chr2-25973046-G-A.
Other names: c.1379C>T (NM_018263.4); c.1205C>T, p.Ser402Phe (NM_001369346.1); c.599C>T, p.Ser200Phe (NM_001369347.1); short protein forms S460F, S402F, S200F.
Identifiers: ClinVar variation 2195707 (VCV002195707.5), dbSNP rs750947456, ClinGen allele CA1557831.
Genomic context (GRCh38, chr2:25,750,177, plus strand): 5'-ATGGGAAGAATGCTGCTAAGCTCATGTGTATTGAGAGCTGAGGAAAGCAGGGGCTCTGAA[G>A]ATGTGGAGAAGTTCGGCTGCACTTCACCTTGGCTTTCACACTCTTCTTTTCTGCCTGGTG-3'
Protein context (NP_060733.4, residues 450-470): QGEVQPNFST[Ser460Phe]SEPLLSSALN